The following is an entry in ClinVar:

NM_176812.5(CHMP4B):c.221G>T (p.Arg74Met)

Gene: CHMP4B (charged multivesicular body protein 4B; plus strand). Cytogenetic location: 20q11.22.
Variant type: single nucleotide variant.
Coding change: c.221G>T on transcript NM_176812.5 (MANE Select); coding-DNA position 221, G replaced by T.
Protein change: p.Arg74Met; replaces arginine 74 with methionine.
Molecular consequence: missense variant.
Genome position (GRCh38, 1-based): chr20:33,848,497, G>T. VCF-style: chr20-33848497-G-T. GRCh37 (hg19) VCF-style: chr20-32436303-G-T.
Other names: short protein forms R74M.
Identifiers: ClinVar variation 1311838 (VCV001311838.2), dbSNP rs1202549092, ClinGen allele CA408920028.

ClinVar aggregate classification (germline): Uncertain significance (1 of 4 stars; one submission).

Submission:

GeneDx
Classification: Uncertain significance. Last evaluated: 2020-02-03. Review status: criteria provided, single submitter. Criteria: GeneDx Variant Classification Process June 2021. Collection method: clinical testing. Allele origin: germline. Affected: yes.
Comment: Not observed in large population cohorts (Lek et al., 2016); In silico analysis supports that this missense variant has a deleterious effect on protein structure/function; Has not been previously published as pathogenic or benign to our knowledge